The following is an entry in ClinVar:

NM_001375524.1(TRRAP):c.9966A>G (p.Arg3322=)

Gene: TRRAP (transformation/transcription domain associated protein; plus strand). Cytogenetic location: 7q22.1.
Variant type: single nucleotide variant.
Coding change: c.9966A>G on transcript NM_001375524.1 (MANE Select); coding-DNA position 9966, A replaced by G.
Protein change: p.Arg3322=; no amino-acid change (arginine 3322 retained).
Molecular consequence: synonymous variant.
Genome position (GRCh38, 1-based): chr7:98,993,656, A>G. VCF-style: chr7-98993656-A-G. GRCh37 (hg19) VCF-style: chr7-98591279-A-G.
Other names: c.9924A>G, p.Arg3308= (NM_001244580.2); c.9837A>G, p.Arg3279= (NM_003496.4).
Identifiers: ClinVar variation 2189163 (VCV002189163.19), dbSNP rs1444264428, ClinGen allele CA456675864.

ClinVar aggregate classification (germline): Likely benign. Review status: criteria provided, multiple submitters, no conflicts (2 of 4 stars). 3 submissions from 3 submitters: Likely benign (3). Last evaluated 2025-12-08.

Allele frequency attached by ClinVar (database versions not stated): gnomAD exomes 0.00001; gnomAD 0.00003.
gnomAD v4.1: 19 of 1,614,120 alleles (0.0012%); highest among the groups gnomAD compares: Non-Finnish European, 0.0016%; no homozygotes.

Submissions (3):

Labcorp Genetics (formerly Invitae), Labcorp
Classification: Likely benign. Last evaluated: 2025-12-08. Review status: criteria provided, single submitter. Criteria: Invitae Variant Classification Sherloc (09022015). Collection method: clinical testing. Allele origin: germline.

CeGaT Center for Human Genetics Tuebingen
Classification: Likely benign. Last evaluated: 2024-09-01. Review status: criteria provided, single submitter. Criteria: CeGaT Center For Human Genetics Tuebingen Variant Classification Criteria Version 2. Collection method: clinical testing. Allele origin: germline. Affected: yes. Observed: 1 variant allele.
Comment: TRRAP: BP4, BP7

Blueprint Genetics
Classification: Likely benign. Last evaluated: 2024-01-05. Review status: criteria provided, single submitter. Criteria: ACMG Guidelines, 2015. Collection method: clinical testing. Allele origin: germline.